The following is an entry in ClinVar:

NM_080680.3(COL11A2):c.3416C>G (p.Ala1139Gly)

Gene: COL11A2 (collagen type XI alpha 2 chain; minus strand). Cytogenetic location: 6p21.32.
Variant type: single nucleotide variant.
Coding change: c.3416C>G on transcript NM_080680.3 (MANE Select); coding-DNA position 3416, C replaced by G.
Protein change: p.Ala1139Gly; replaces alanine 1139 with glycine.
Molecular consequence: missense variant.
Genome position (GRCh38, 1-based): chr6:33,170,868, G>C on the plus strand (C>G on the coding strand, the complement: COL11A2 is on the minus strand). VCF-style: chr6-33170868-G-C. GRCh37 (hg19) VCF-style: chr6-33138645-G-C.
Other names: c.3236C>G, p.Ala1079Gly (NM_001424108.1); c.2570C>G, p.Ala857Gly (NM_001424109.1); c.2390C>G, p.Ala797Gly (NM_001424110.1, NM_001424111.1); c.1370C>G, p.Ala457Gly (NM_001424112.1); c.3095C>G, p.Ala1032Gly (NM_080679.3); c.3158C>G, p.Ala1053Gly (NM_080681.3); short protein forms A1032G, A1053G, A1079G, A1139G, A457G, A797G, A857G.
Identifiers: ClinVar variation 3390238 (VCV003390238.14).
Genomic context (GRCh38, chr6:33,170,868, plus strand): 5'-ACCTGTAGGCCAATGGGTCCTGGGGGCCCATTGAATCCTCTTGTTCCTTCATCACCTTTG[G>C]CTCCAAAGTGTCCCTGGGGTCCCCGAGCTCCGGGCTCCCCATCTGCTCCCTGCAGGGTTG-3'
Protein context (NP_542411.2, residues 1129-1149): GARGPQGHFG[Ala1139Gly]KGDEGTRGFN

ClinVar aggregate classification (germline): Uncertain significance (1 of 4 stars; one submission).

Submission:

CeGaT Center for Human Genetics Tuebingen
Classification: Uncertain significance. Last evaluated: 2024-11-01. Review status: criteria provided, single submitter. Criteria: CeGaT Center For Human Genetics Tuebingen Variant Classification Criteria Version 2. Collection method: clinical testing. Allele origin: germline. Affected: yes. Observed: 1 variant allele.
Comment: COL11A2: PM2, PP2